The following is an entry in ClinVar:

NM_006949.4(STXBP2):c.325+18_325+19delinsCA

Gene: STXBP2 (syntaxin binding protein 2; plus strand). Cytogenetic location: 19p13.2.
Variant type: Indel.
Coding change: c.325+18_325+19delinsCA on transcript NM_006949.4 (MANE Select); bases 18 to 19 of the intron after coding-DNA position 325, AG replaced by CA.
Molecular consequence: intron variant.
Genome position (GRCh38, 1-based): chr19:7,640,827-7,640,828, AG replaced by CA. VCF-style: chr19-7640827-AG-CA. GRCh37 (hg19) VCF-style: chr19-7705713-AG-CA.
Other names: c.229+18_229+19delinsCA (NM_001414484.1); c.358+18_358+19delinsCA (NM_001272034.2); c.316+18_316+19delinsCA (NM_001127396.3).
Identifiers: ClinVar variation 2772178 (VCV002772178.3), dbSNP rs2512691884, ClinGen allele CA2697556192.

ClinVar aggregate classification (germline): Uncertain significance (1 of 4 stars; one submission).

Conditions:
Familial hemophagocytic lymphohistiocytosis 5. Also called: STXBP2-Related Familial Hemophagocytic Lymphohistiocytosis (STXBP2-fHLH). Identifiers: Orphanet 540, MedGen C2751293, MONDO:0013135, OMIM 613101.

Submission:

Labcorp Genetics (formerly Invitae), Labcorp
Classification: Uncertain significance for Familial hemophagocytic lymphohistiocytosis 5. Last evaluated: 2023-10-28. Review status: criteria provided, single submitter. Criteria: Invitae Variant Classification Sherloc (09022015). Collection method: clinical testing. Allele origin: germline.
Comment: This sequence change falls in intron 5 of the STXBP2 gene. It does not directly change the encoded amino acid sequence of the STXBP2 protein. Information on the frequency of this variant in the gnomAD database is not available, as this variant may be reported differently in the database. This variant has not been reported in the literature in individuals affected with STXBP2-related conditions. Experimental studies and prediction algorithms are not available or were not evaluated, and the effect of this variant on mRNA splicing is currently unknown. In summary, the available evidence is currently insufficient to determine the role of this variant in disease. Therefore, it has been classified as a Variant of Uncertain Significance.